The following is an entry in ClinVar:

NM_001845.6(COL4A1):c.1901C>T (p.Pro634Leu)

Gene: COL4A1 (collagen type IV alpha 1 chain; minus strand). Cytogenetic location: 13q34.
Variant type: single nucleotide variant.
Coding change: c.1901C>T on transcript NM_001845.6 (MANE Select); coding-DNA position 1901, C replaced by T.
Protein change: p.Pro634Leu; replaces proline 634 with leucine.
Molecular consequence: missense variant.
Genome position (GRCh38, 1-based): chr13:110,183,273, G>A on the plus strand (C>T on the coding strand, the complement: COL4A1 is on the minus strand). VCF-style: chr13-110183273-G-A. GRCh37 (hg19) VCF-style: chr13-110835620-G-A.
Other names: short protein forms P634L.
Identifiers: ClinVar variation 3364727 (VCV003364727.1).

ClinVar aggregate classification (germline): Uncertain significance (1 of 4 stars; one submission).

Submission:

GeneDx
Classification: Uncertain significance. Last evaluated: 2023-11-28. Review status: criteria provided, single submitter. Criteria: GeneDx Variant Classification Process June 2021. Collection method: clinical testing. Allele origin: germline. Affected: yes.
Comment: Not observed at significant frequency in large population cohorts (gnomAD); In silico analysis supports that this missense variant has a deleterious effect on protein structure/function; Has not been previously published as pathogenic or benign to our knowledge